The following is an entry in ClinVar:

NM_020297.4(ABCC9):c.3347G>A (p.Arg1116His)

Gene: ABCC9 (ATP binding cassette subfamily C member 9; minus strand). Cytogenetic location: 12p12.1.
Variant type: single nucleotide variant.
Coding change: c.3347G>A on transcript NM_020297.4 (MANE Select); coding-DNA position 3347, G replaced by A.
Protein change: p.Arg1116His; replaces arginine 1116 with histidine.
Molecular consequence: missense variant.
Genome position (GRCh38, 1-based): chr12:21,842,440, C>T on the plus strand (G>A on the coding strand, the complement: ABCC9 is on the minus strand). VCF-style: chr12-21842440-C-T. GRCh37 (hg19) VCF-style: chr12-21995374-C-T.
Other names: c.3347G>A, p.Arg1116His (NM_001377273.1, NM_005691.4); c.2480G>A, p.Arg827His (NM_001377274.1); c.3347G>A (NM_020297.3); short protein forms R1116H, R827H.
Identifiers: ClinVar variation 35533 (VCV000035533.14), dbSNP rs387907227, ClinGen allele CA260083.
Genomic context (GRCh38, chr12:21,842,440, plus strand): 5'-AGGAACACAGGAGTAGCATAAGAAATCATCCCAATGGCAGACAGGCAGAGCAGTGTTGAG[C>T]GAGTTAGAGATTCCAAGGTTGGAGGGATGTGCTATTAGGGTAGTTTAAAAGGAAAATATG-3'
Protein context (NP_064693.2, residues 1106-1126): HIPPTLESLT[Arg1116His]STLLCLSAIG

ClinVar aggregate classification (germline): Pathogenic. Review status: criteria provided, multiple submitters, no conflicts (2 of 4 stars). 5 submissions from 5 submitters: Pathogenic (4). 1 of the submissions does not count toward it. Last evaluated 2025-05-16.

Conditions:
Hypertrichotic osteochondrodysplasia Cantu type. Also called: Cantú Syndrome; Cantu Syndrome. Identifiers: Orphanet 1517, MedGen C0795905, MONDO:0009406, OMIM 239850.
Dilated cardiomyopathy 1O (CMD1O). Also called: CARDIOMYOPATHY, DILATED, WITH VENTRICULAR TACHYCARDIA. Identifiers: Orphanet 154, MedGen C1837839, MONDO:0012062, OMIM 608569.

Submissions (5):

Labcorp Genetics (formerly Invitae), Labcorp
Classification: Pathogenic for Dilated cardiomyopathy 1O. Last evaluated: 2025-05-16. Review status: criteria provided, single submitter. Criteria: Invitae Variant Classification Sherloc (09022015). Collection method: clinical testing. Allele origin: germline.
Comment: This sequence change replaces arginine, which is basic and polar, with histidine, which is basic and polar, at codon 1116 of the ABCC9 protein (p.Arg1116His). This variant is present in population databases (rs387907227, gnomAD 0.0009%). This missense change has been observed in individual(s) with clinical features of Cantu syndrome (PMID: 22610116, 23307537, 25590979, 27316244). In at least one individual the variant was observed to be de novo. ClinVar contains an entry for this variant (Variation ID: 35533). Invitae Evidence Modeling of protein sequence and biophysical properties (such as structural, functional, and spatial information, amino acid conservation, physicochemical variation, residue mobility, and thermodynamic stability) indicates that this missense variant is expected to disrupt ABCC9 protein function with a positive predictive value of 80%. Experimental studies have shown that this missense change affects ABCC9 function (PMID: 22610116). Algorithms developed to predict the effect of sequence changes on RNA splicing suggest that this variant may disrupt the consensus splice site. This variant disrupts the p.Arg1116 amino acid residue in ABCC9. Other variant(s) that disrupt this residue have been determined to be pathogenic (PMID: 22610116, 27316244; internal data). This suggests that this residue is clinically significant, and that variants that disrupt this residue are likely to be disease-causing. For these reasons, this variant has been classified as Pathogenic.

Victorian Clinical Genetics Services, Murdoch Childrens Research Institute
Classification: Pathogenic for Hypertrichotic osteochondrodysplasia Cantu type. Last evaluated: 2024-10-08. Review status: criteria provided, single submitter. Criteria: ACMG Guidelines, 2015. Collection method: clinical testing. Allele origin: germline. Inheritance: Autosomal dominant inheritance. Affected: yes.
Comment: Based on the classification scheme VCGS_Germline_v1.3.4, this variant is classified as Pathogenic. Following criteria are met: 0103 - Loss of function and gain of function are known mechanisms of disease in this gene. Loss of function variants have been reported to cause recessive intellectual disability and myopathy syndrome (MIM#619719), while gain of function variants have been reported to cause dominant hypertrichotic osteochondrodysplasia (Cantu syndrome) (MIM#239850) (PMIDs: 22610116, 31575858). The association to dilated cardiomyopathy, 1O (MIM#608569) is limited (ClinGen). (I) 0108 - This gene is associated with both recessive and dominant disease (OMIM, PMIDs: 22610116, 31575858). (I) 0115 - Variants in this gene are known to have variable expressivity, where affected individuals have varying clinical features (PMID: 23307537). (I) 0200 - Variant is predicted to result in a missense amino acid change from arginine to histidine. (I) 0251 - This variant is heterozygous. (I) 0304 - Variant is present in gnomAD (v2) <0.01 (1 heterozygote, 0 homozygotes). However, it did not pass gnomAD QC. (SP) 0501 - Missense variant consistently predicted to be damaging by multiple in silico tools or highly conserved with a major amino acid change. (SP) 0600 - Variant is located in the annotated ABC transporter transmembrane region domain (DECIPHER). (I) 0702 - Other missense variants comparable to the one identified in this case have strong previous evidence for pathogenicity. These alternative changes (p.(Arg1116Cys), p.(Arg1116Leu), p.(Arg1116Gly)), have been reported as likely pathogenic or pathogenic. Another alternative change, p.(Arg1116Pro), has been reported once as a VUS (ClinVar). (SP) 0801 - This variant has strong previous evidence of pathogenicity in unrelated individuals. This variant has been reported twice as pathogenic (ClinVar). It was observed as de novo in at least two individuals, and segregated in a family, with features in keeping with Cantu syndrome (ClinVar, PMIDs: 23307537, 22610116). (SP) Legend: (SP) - Supporting pathogenic, (I) - Information, (SB) - Supporting benign

Duke University Health System Sequencing Clinic, Duke University Health System
Classification: Pathogenic for Hypertrichotic osteochondrodysplasia Cantu type. Last evaluated: 2023-04-20. Review status: criteria provided, single submitter. Criteria: ACMG Guidelines, 2015. Collection method: research. Allele origin: de novo. Affected: yes.

Baylor Genetics
Classification: Pathogenic for Hypertrichotic osteochondrodysplasia Cantu type. Last evaluated: 2017-09-01. Review status: criteria provided, single submitter. Criteria: ACMG Guidelines, 2015. Collection method: clinical testing. Allele origin: de novo. Inheritance: Autosomal dominant inheritance. Affected: yes.

OMIM
Classification: Pathogenic for HYPERTRICHOTIC OSTEOCHONDRODYSPLASIA. Last evaluated: 2012-05-18. Review status: no assertion criteria provided. Collection method: literature only. Allele origin: germline. Not counted in ClinVar's aggregate classification.

Literature cited by the submitters: PubMed 22610116 (cited by 4 submitters); PubMed 23307537 (cited by 3 submitters); PubMed 25590979 (cited by Labcorp Genetics (formerly Invitae), Labcorp and Duke University Health System Sequencing Clinic, Duke University Health System); PubMed 27316244 (cited by Labcorp Genetics (formerly Invitae), Labcorp); PubMed 31575858 (cited by Victorian Clinical Genetics Services, Murdoch Childrens Research Institute); PubMed 25326635 (cited by Baylor Genetics).